The following is an entry in ClinVar:

NC_000006.12:g.(?_123337609)_(123439013_?)dup

Gene: TRDN (triadin; minus strand). Cytogenetic location: 6q22.31.
Variant type: Duplication.
Identifiers: ClinVar variation 831777 (VCV000831777.2).

ClinVar aggregate classification (germline): Uncertain significance (1 of 4 stars; one submission).

Conditions:
Catecholaminergic polymorphic ventricular tachycardia (CVPT). Also called: Catecholamine-induced polymorphic ventricular tachycardia. Identifiers: Orphanet 3286, MedGen C5574922, MONDO:0017990.

Submission:

Labcorp Genetics (formerly Invitae), Labcorp
Classification: Uncertain significance for Catecholaminergic polymorphic ventricular tachycardia. Last evaluated: 2019-10-18. Review status: criteria provided, single submitter. Criteria: Invitae Variant Classification Sherloc (09022015). Collection method: clinical testing. Allele origin: germline.
Comment: This variant results in a copy number gain of the genomic region encompassing exons 11-22 of the TRDN gene. While the exact position of this variant cannot be determined from this data, sub-genic copy number gains are generally in tandem (PMID: 25640679). This variant would be expected to be in-frame, preserving the integrity of the reading frame. This variant has not been reported in the literature in individuals with TRDN-related conditions. Experimental studies and prediction algorithms are not available or were not evaluated, and the functional significance of this variant is currently unknown. In summary, the available evidence is currently insufficient to determine the role of this variant in disease. Therefore, it has been classified as a Variant of Uncertain Significance.